The following is an entry in ClinVar:

NM_001123385.2(BCOR):c.4488A>C (p.Ala1496=)

Gene: BCOR (BCL6 corepressor; minus strand). Cytogenetic location: Xp11.4.
Variant type: single nucleotide variant.
Coding change: c.4488A>C on transcript NM_001123385.2 (MANE Select); coding-DNA position 4488, A replaced by C.
Protein change: p.Ala1496=; no amino-acid change (alanine 1496 retained).
Molecular consequence: synonymous variant.
Genome position (GRCh38, 1-based): chrX:40,057,262, T>G on the plus strand (A>C on the coding strand, the complement: BCOR is on the minus strand). VCF-style: chrX-40057262-T-G. GRCh37 (hg19) VCF-style: chrX-39916515-T-G.
Other names: c.4386A>C, p.Ala1462= (NM_001123383.2, NM_017745.6); c.4332A>C, p.Ala1444= (NM_001123384.2).
Identifiers: ClinVar variation 210523 (VCV000210523.20), dbSNP rs138741225, ClinGen allele CA208991.
Genomic context (GRCh38, chrX:40,057,262, plus strand): 5'-GAGGTGTCGCACAATGTTGAGCCAGCCCCTAGCACAAGCTTCATGCAGGGCGCAGTAACC[T>G]GCGTTGTCCCGATGATTTACATCACAAATCTTGTTCTCTAAGCAGTACAGGACCACTTCC-3'
Protein context (NP_001116857.1, residues 1486-1506): KICDVNHRDN[Ala1496=]GYCALHEACA

ClinVar aggregate classification (germline): Conflicting classifications of pathogenicity. Review status: criteria provided, conflicting classifications (1 of 4 stars). 6 submissions from 6 submitters: Uncertain significance (1); Benign (1); Likely benign (1). 3 of the submissions do not count toward it. Last evaluated 2025-04-03.

Conditions:
BCOR-related disorder. Also called: BCOR-related disorders; BCOR-related condition.
Oculofaciocardiodental syndrome (MCOPS2). Identifiers: Orphanet 2712, MedGen C1846265, MONDO:0010261, OMIM 300166.

Allele frequency attached by ClinVar (database versions not stated): gnomAD exomes 0.00020; ExAC 0.00025; 1000 Genomes Project 30x 0.00042; 1000 Genomes Project 0.00053; gnomAD 0.00072 and 0.00076; ESP Exome Variant Server 0.00076; TOPMed 0.00094.
gnomAD v4.1: 193 of 1,210,659 alleles (0.016%); highest among the groups gnomAD compares: African/African-American, 0.3%; no homozygotes.

Submissions (6):

Labcorp Genetics (formerly Invitae), Labcorp
Classification: Benign for Oculofaciocardiodental syndrome. Last evaluated: 2025-04-03. Review status: criteria provided, single submitter. Criteria: Invitae Variant Classification Sherloc (09022015). Collection method: clinical testing. Allele origin: germline.

Blueprint Genetics
Classification: Likely benign. Last evaluated: 2023-09-14. Review status: criteria provided, single submitter. Criteria: ACMG Guidelines, 2015. Collection method: clinical testing. Allele origin: germline.

Genetic Services Laboratory, University of Chicago
Classification: Uncertain significance. Last evaluated: 2015-04-22. Review status: criteria provided, single submitter. Criteria: ACMG Guidelines, 2015. Collection method: clinical testing. Allele origin: germline.

PreventionGenetics, part of Exact Sciences
Classification: Likely benign for BCOR-related condition. Last evaluated: 2019-04-30. Review status: no assertion criteria provided. Collection method: clinical testing. Allele origin: germline. Not counted in ClinVar's aggregate classification.
Comment: This variant is classified as likely benign based on ACMG/AMP sequence variant interpretation guidelines (Richards et al. 2015 PMID: 25741868, with internal and published modifications).

Clinical Genetics DNA and cytogenetics Diagnostics Lab, Erasmus MC, Erasmus Medical Center
Classification: Likely benign. Review status: no assertion criteria provided. Collection method: clinical testing. Allele origin: germline. Affected: yes. Study: VKGL Data-share Consensus. Not counted in ClinVar's aggregate classification.

Clinical Genetics, Academic Medical Center
Classification: Benign. Review status: no assertion criteria provided. Collection method: clinical testing. Allele origin: germline. Affected: yes. Study: VKGL Data-share Consensus. Not counted in ClinVar's aggregate classification.